The following is an entry in ClinVar:

NM_014363.6(SACS):c.6447T>C (p.Val2149=)

Gene: SACS (sacsin molecular chaperone; minus strand). Cytogenetic location: 13q12.12.
Variant type: single nucleotide variant.
Coding change: c.6447T>C on transcript NM_014363.6 (MANE Select); coding-DNA position 6447, T replaced by C.
Protein change: p.Val2149=; no amino-acid change (valine 2149 retained).
Molecular consequence: synonymous variant.
Genome position (GRCh38, 1-based): chr13:23,337,429, A>G on the plus strand (T>C on the coding strand, the complement: SACS is on the minus strand). VCF-style: chr13-23337429-A-G. GRCh37 (hg19) VCF-style: chr13-23911568-A-G.
Other names: c.6006T>C, p.Val2002= (NM_001278055.2); c.6447T>C (NM_014363.4).
Identifiers: ClinVar variation 698766 (VCV000698766.13), dbSNP rs373110459, ClinGen allele CA6911080.

ClinVar aggregate classification (germline): Likely benign. Review status: criteria provided, multiple submitters, no conflicts (2 of 4 stars). 4 submissions from 4 submitters: Likely benign (4). Last evaluated 2026-09-10.

Conditions:
Spastic paraplegia. Identifiers: MedGen C0037772, HP:0001258.
SACS-related disorder. Also called: SACS-related condition.

Allele frequency attached by ClinVar (database versions not stated): gnomAD exomes 0.00002; TOPMed 0.00002; ExAC 0.00003; gnomAD 0.00003 and 0.00004; ESP Exome Variant Server 0.00008.
gnomAD v4.1: 32 of 1,612,656 alleles (0.002%); highest among the groups gnomAD compares: Non-Finnish European, 0.0026%; no homozygotes.

Submissions (4):

PreventionGenetics, part of Exact Sciences
Classification: Likely benign for SACS-related condition. Last evaluated: 2026-09-10. Review status: criteria provided, single submitter. Criteria: ACMG Guidelines, 2015. Collection method: clinical testing. Allele origin: germline.
Comment: This variant is classified as likely benign based on ACMG/AMP sequence variant interpretation guidelines (Richards et al. 2015 PMID: 25741868, with internal and published modifications).

Athena Diagnostics
Classification: Likely benign. Last evaluated: 2024-11-03. Review status: criteria provided, single submitter. Criteria: Athena Diagnostics Criteria. Collection method: clinical testing. Allele origin: unknown.

Blueprint Genetics
Classification: Likely benign. Last evaluated: 2024-09-05. Review status: criteria provided, single submitter. Criteria: ACMG Guidelines, 2015. Collection method: clinical testing. Allele origin: germline.

Labcorp Genetics (formerly Invitae), Labcorp
Classification: Likely benign for Spastic paraplegia. Last evaluated: 2024-03-09. Review status: criteria provided, single submitter. Criteria: Invitae Variant Classification Sherloc (09022015). Collection method: clinical testing. Allele origin: germline.